The following is an entry in ClinVar:

NM_001077350.3(NPRL3):c.139G>T (p.Ala47Ser)

Genes: HBA-LCR (alpha-globin locus control region; plus strand), NPRL3 (NPR3 like, GATOR1 complex subunit; minus strand). Cytogenetic location: 16p13.3.
Variant type: single nucleotide variant.
Coding change: c.139G>T on transcript NM_001077350.3 (MANE Select); coding-DNA position 139, G replaced by T.
Protein change: p.Ala47Ser; replaces alanine 47 with serine.
Molecular consequence: missense variant. On other transcripts: 5 prime UTR variant (2).
Genome position (GRCh38, 1-based): chr16:130,571, C>A on the plus strand (G>T on the coding strand, the complement: NPRL3 is on the minus strand). VCF-style: chr16-130571-C-A. GRCh37 (hg19) VCF-style: chr16-180570-C-A.
Other names: c.-194G>T (NM_001039476.3); c.-233G>T (NM_001243247.2); c.139G>T, p.Ala47Ser (NM_001243248.2, NM_001243249.2); short protein forms A47S.
Identifiers: ClinVar variation 854464 (VCV000854464.10), dbSNP rs1401901852, ClinGen allele CA393997873.

ClinVar aggregate classification (germline): Uncertain significance (1 of 4 stars; one submission).

Conditions:
Epilepsy, familial focal, with variable foci 3 (FFEVF3). Identifiers: MedGen C4310708, MONDO:0014925, OMIM 617118.

Allele frequency attached by ClinVar (database versions not stated): 1000 Genomes Project 30x 0.00016.
gnomAD v4.1: 11 of 1,555,172 alleles (0.00071%); highest among the groups gnomAD compares: Non-Finnish European, 0.0007%; no homozygotes.

Submission:

Labcorp Genetics (formerly Invitae), Labcorp
Classification: Uncertain significance for Epilepsy, familial focal, with variable foci 3. Last evaluated: 2024-05-07. Review status: criteria provided, single submitter. Criteria: Invitae Variant Classification Sherloc (09022015). Collection method: clinical testing. Allele origin: germline.
Comment: This sequence change replaces alanine, which is neutral and non-polar, with serine, which is neutral and polar, at codon 47 of the NPRL3 protein (p.Ala47Ser). The frequency data for this variant in the population databases is considered unreliable, as metrics indicate poor data quality at this position in the gnomAD database. This variant has not been reported in the literature in individuals affected with NPRL3-related conditions. ClinVar contains an entry for this variant (Variation ID: 854464). Advanced modeling of protein sequence and biophysical properties (such as structural, functional, and spatial information, amino acid conservation, physicochemical variation, residue mobility, and thermodynamic stability) performed at Invitae indicates that this missense variant is not expected to disrupt NPRL3 protein function with a negative predictive value of 80%. In summary, the available evidence is currently insufficient to determine the role of this variant in disease. Therefore, it has been classified as a Variant of Uncertain Significance.